The following is an entry in ClinVar:

ClinVar aggregate classification (germline): Likely pathogenic (1 of 4 stars; one submission).

Conditions:
Sjögren-Larsson syndrome (SLS). Also called: FALDH DEFICIENCY; FATTY ALCOHOL:NAD+ OXIDOREDUCTASE DEFICIENCY; FATTY ALDEHYDE DEHYDROGENASE DEFICIENCY; ICHTHYOSIS, SPASTIC NEUROLOGIC DISORDER, AND OLIGOPHRENIA. Identifiers: Orphanet 816, MedGen C0037231, MONDO:0010031, OMIM 270200.

Submission:

Myriad Genetics, Inc.
Classification: Likely pathogenic for Sjögren-Larsson syndrome. Last evaluated: 2022-01-12. Review status: criteria provided, single submitter. Criteria: Myriad Women's Health Autosomal Recessive and X-Linked Classification Criteria (2021). Collection method: clinical testing. Allele origin: unknown.
Comment: NM_000382.2(ALDH3A2):c.913G>T(E305*) is expected to be pathogenic in the context of Sjogren-Larsson syndrome. This variant is predicted to lead to an abnormal or absent protein product due to the creation of a premature termination codon in ALDH3A2, a gene where loss-of-function variants are known to be pathogenic. Please note: this variant was assessed in the context of healthy population screening.

NM_000382.3(ALDH3A2):c.913G>T (p.Glu305Ter)

Gene: ALDH3A2 (aldehyde dehydrogenase 3 family member A2; plus strand). Cytogenetic location: 17p11.2.
Variant type: single nucleotide variant.
Coding change: c.913G>T on transcript NM_000382.3 (MANE Select); coding-DNA position 913, G replaced by T.
Protein change: p.Glu305Ter; replaces glutamic acid 305 with a stop codon.
Molecular consequence: nonsense.
Genome position (GRCh38, 1-based): chr17:19,661,241, G>T. VCF-style: chr17-19661241-G-T. GRCh37 (hg19) VCF-style: chr17-19564554-G-T.
Other names: c.913G>T, p.Glu305Ter (NM_001031806.2, NM_001369136.1, NM_001369137.2 and 3 more transcripts); c.334G>T, p.Glu112Ter (NM_001369148.2); short protein forms E112*, E305*.
Identifiers: ClinVar variation 1723933 (VCV001723933.2), dbSNP rs751079690, ClinGen allele CA398709351.
Genomic context (GRCh38, chr17:19,661,241, plus strand): 5'-CTTCGTCATTTTAAGAGGATACTAAGTTTGCTTGAAGGACAAAAGATAGCTTTTGGTGGG[G>T]AGACTGATGAGGCCACACGCTACATAGGTAATGGAAATTCTCCTTTTCCTATGGGAAGAT-3'